The following is an entry in ClinVar:

NM_005458.8(GABBR2):c.242T>G (p.Val81Gly)

Gene: GABBR2 (gamma-aminobutyric acid type B receptor subunit 2; minus strand). Cytogenetic location: 9q22.33.
Variant type: single nucleotide variant.
Coding change: c.242T>G on transcript NM_005458.8 (MANE Select); coding-DNA position 242, T replaced by G.
Protein change: p.Val81Gly; replaces valine 81 with glycine.
Molecular consequence: missense variant.
Genome position (GRCh38, 1-based): chr9:98,708,496, A>C on the plus strand (T>G on the coding strand, the complement: GABBR2 is on the minus strand). VCF-style: chr9-98708496-A-C. GRCh37 (hg19) VCF-style: chr9-101470778-A-C.
Other names: short protein forms V81G.
Identifiers: ClinVar variation 4976199 (VCV004976199.1).

ClinVar aggregate classification (germline): Uncertain significance (1 of 4 stars; one submission).

Submission:

GeneDx
Classification: Uncertain significance. Last evaluated: 2026-02-27. Review status: criteria provided, single submitter. Criteria: GeneDx Variant Classification Process June 2021. Collection method: clinical testing. Allele origin: germline.
Comment: Not observed at significant frequency in large population cohorts (gnomAD); In silico analysis supports that this missense variant has a deleterious effect on protein structure/function; Has not been previously published as pathogenic or benign to our knowledge